The following is an entry in ClinVar:

NM_015378.4(VPS13D):c.6522A>G (p.Glu2174=)

Gene: VPS13D (vacuolar protein sorting 13 homolog D; plus strand). Cytogenetic location: 1p36.22.
Variant type: single nucleotide variant.
Coding change: c.6522A>G on transcript NM_015378.4 (MANE Select); coding-DNA position 6522, A replaced by G.
Protein change: p.Glu2174=; no amino-acid change (glutamic acid 2174 retained).
Molecular consequence: synonymous variant.
Genome position (GRCh38, 1-based): chr1:12,308,513, A>G. VCF-style: chr1-12308513-A-G. GRCh37 (hg19) VCF-style: chr1-12368570-A-G.
Other names: c.6522A>G, p.Glu2174= (NM_018156.4).
Identifiers: ClinVar variation 5040506 (VCV005040506.1).

ClinVar aggregate classification (germline): Likely benign (1 of 4 stars; one submission).

gnomAD v4.1: 12 of 1,614,142 alleles (0.00074%); highest among the groups gnomAD compares: Non-Finnish European, 0.001%; no homozygotes.

Submission:

CeGaT Center for Human Genetics Tuebingen
Classification: Likely benign. Last evaluated: 2026-08-01. Review status: criteria provided, single submitter. Criteria: CeGaT Center For Human Genetics Tuebingen Variant Classification Criteria Version 2. Collection method: clinical testing. Allele origin: germline. Affected: yes. Observed: 1 variant allele.
Comment: VPS13D: BP4, BP7